The following is an entry in ClinVar:

NM_033124.5(DRC2):c.293T>C (p.Val98Ala)

Gene: DRC2 (dynein regulatory complex subunit 2; plus strand). Cytogenetic location: 12q13.12.
Variant type: single nucleotide variant.
Coding change: c.293T>C on transcript NM_033124.5 (MANE Select); coding-DNA position 293, T replaced by C.
Protein change: p.Val98Ala; replaces valine 98 with alanine.
Molecular consequence: missense variant. On other transcripts: 5 prime UTR variant (1).
Genome position (GRCh38, 1-based): chr12:48,905,106, T>C. VCF-style: chr12-48905106-T-C. GRCh37 (hg19) VCF-style: chr12-49298889-T-C.
Other names: c.-137T>C (NM_001286957.2); short protein forms V98A.
Identifiers: ClinVar variation 1975117 (VCV001975117.5), dbSNP rs1939451600, ClinGen allele CA384654621.

ClinVar aggregate classification (germline): Uncertain significance (1 of 4 stars; one submission).

Conditions:
Primary ciliary dyskinesia 27. Also called: CILIARY DYSKINESIA, PRIMARY, 27, WITHOUT SITUS INVERSUS. Identifiers: Orphanet 244, MedGen C3809701, MONDO:0014215, OMIM 615504.

Allele frequency attached by ClinVar (database versions not stated): gnomAD exomes below 0.00001; TOPMed below 0.00001.
gnomAD v4.1: 1 of 1,603,502 alleles (0.000062%); highest among the groups gnomAD compares: Non-Finnish European, 0.000085%; no homozygotes.

Submission:

Labcorp Genetics (formerly Invitae), Labcorp
Classification: Uncertain significance for Primary ciliary dyskinesia 27. Last evaluated: 2022-09-06. Review status: criteria provided, single submitter. Criteria: Invitae Variant Classification Sherloc (09022015). Collection method: clinical testing. Allele origin: germline.
Comment: This sequence change replaces valine, which is neutral and non-polar, with alanine, which is neutral and non-polar, at codon 98 of the CCDC65 protein (p.Val98Ala). This variant is not present in population databases (gnomAD no frequency). This variant has not been reported in the literature in individuals affected with CCDC65-related conditions. Algorithms developed to predict the effect of missense changes on protein structure and function (SIFT, PolyPhen-2, Align-GVGD) all suggest that this variant is likely to be tolerated. In summary, the available evidence is currently insufficient to determine the role of this variant in disease. Therefore, it has been classified as a Variant of Uncertain Significance.